The following is an entry in ClinVar:

NM_001298.3(CNGA3):c.1324_1325delinsTT (p.Asp442Phe)

Gene: CNGA3 (cyclic nucleotide gated channel subunit alpha 3; plus strand). Cytogenetic location: 2q11.2.
Variant type: Indel.
Coding change: c.1324_1325delinsTT on transcript NM_001298.3 (MANE Select); coding-DNA positions 1324 to 1325, GA replaced by TT.
Protein change: p.Asp442Phe; replaces aspartic acid 442 with phenylalanine.
Molecular consequence: missense variant.
Genome position (GRCh38, 1-based): chr2:98,396,494-98,396,495, GA replaced by TT. VCF-style: chr2-98396494-GA-TT. GRCh37 (hg19) VCF-style: chr2-99012957-GA-TT.
Other names: c.1270_1271delinsTT, p.Asp424Phe (NM_001079878.2); short protein forms D442F, D424F.
Identifiers: ClinVar variation 956725 (VCV000956725.8), dbSNP rs1692918521, ClinGen allele CA1139657168.
Genomic context (GRCh38, chr2:98,396,494, plus strand): 5'-CAGTACATGCAGTTCCGCAAGGTCACCAAGGACTTGGAGACGCGGGTTATCCGGTGGTTT[GA>TT]CTACCTGTGGGCCAACAAGAAGACGGTGGATGAGAAGGAGGTGCTCAAGAGCCTCCCAGA-3'
Protein context (NP_001289.1, residues 432-452): DLETRVIRWF[Asp442Phe]YLWANKKTVD

ClinVar aggregate classification (germline): Uncertain significance (1 of 4 stars; one submission).

Submission:

Labcorp Genetics (formerly Invitae), Labcorp
Classification: Uncertain significance. Last evaluated: 2019-09-07. Review status: criteria provided, single submitter. Criteria: Invitae Variant Classification Sherloc (09022015). Collection method: clinical testing. Allele origin: germline.
Comment: In summary, the available evidence is currently insufficient to determine the role of this variant in disease. Therefore, it has been classified as a Variant of Uncertain Significance. Algorithms developed to predict the effect of missense changes on protein structure and function are either unavailable or do not agree on the potential impact of this missense change (SIFT: "Deleterious"; PolyPhen-2: "Possibly Damaging"; Align-GVGD: "Class C0"). This variant has not been reported in the literature in individuals with CNGA3-related conditions. This variant is not present in population databases (ExAC no frequency). This sequence change replaces aspartic acid with phenylalanine at codon 442 of the CNGA3 protein (p.Asp442Phe). The aspartic acid residue is highly conserved and there is a large physicochemical difference between aspartic acid and phenylalanine.